The following is an entry in ClinVar:

ClinVar aggregate classification (germline): Uncertain significance. Review status: criteria provided, multiple submitters, no conflicts (2 of 4 stars). 3 submissions from 3 submitters: Uncertain significance (3). Last evaluated 2026-05-06.

Conditions:
Dyskeratosis congenita, autosomal dominant 2. Identifiers: MedGen C3151443, MONDO:0013521, OMIM 613989.
Idiopathic Pulmonary Fibrosis. Also called: Idiopathic fibrosing alveolitis, chronic form; idiopathic fibrosing alveolitis. Identifiers: Orphanet 2032, MedGen C1800706, MeSH D054990, MONDO:0800504.
Dyskeratosis congenita. Identifiers: Orphanet 1775, MedGen C0265965, MONDO:0015780.

Allele frequency attached by ClinVar (database versions not stated): TOPMed below 0.00001; ExAC 0.00001; gnomAD 0.00001.
gnomAD v4.1: 16 of 1,613,366 alleles (0.00099%); highest among the groups gnomAD compares: Admixed American, 0.0017%; no homozygotes.

Submissions (3):

Ambry Genetics
Classification: Uncertain significance for Dyskeratosis congenita. Last evaluated: 2026-05-06. Review status: criteria provided, single submitter. Criteria: Ambry Variant Classification Scheme 2023. Collection method: clinical testing. Allele origin: germline.
Comment: The p.A855V variant (also known as c.2564C>T), located in coding exon 9 of the TERT gene, results from a C to T substitution at nucleotide position 2564. The alanine at codon 855 is replaced by valine, an amino acid with similar properties. This amino acid position is not well conserved in available vertebrate species. In addition, this alteration is predicted to be tolerated by in silico analysis. Based on the available evidence, the clinical significance of this variant remains unclear.

Labcorp Genetics (formerly Invitae), Labcorp
Classification: Uncertain significance for Dyskeratosis congenita, autosomal dominant 2; Idiopathic Pulmonary Fibrosis. Last evaluated: 2024-04-17. Review status: criteria provided, single submitter. Criteria: Invitae Variant Classification Sherloc (09022015). Collection method: clinical testing. Allele origin: germline.
Comment: This sequence change replaces alanine, which is neutral and non-polar, with valine, which is neutral and non-polar, at codon 855 of the TERT protein (p.Ala855Val). This variant is present in population databases (rs775014633, gnomAD 0.0009%). This missense change has been observed in individual(s) with hypersensitivity pneumonitis (PMID: 31268371). ClinVar contains an entry for this variant (Variation ID: 539201). Advanced modeling of protein sequence and biophysical properties (such as structural, functional, and spatial information, amino acid conservation, physicochemical variation, residue mobility, and thermodynamic stability) has been performed at Invitae for this missense variant, however the output from this modeling did not meet the statistical confidence thresholds required to predict the impact of this variant on TERT protein function. In summary, the available evidence is currently insufficient to determine the role of this variant in disease. Therefore, it has been classified as a Variant of Uncertain Significance.

Blueprint Genetics
Classification: Uncertain significance. Last evaluated: 2022-07-14. Review status: criteria provided, single submitter. Criteria: ACMG Guidelines, 2015. Collection method: clinical testing. Allele origin: germline.

Literature cited by the submitters: PubMed 31268371 (cited by Labcorp Genetics (formerly Invitae), Labcorp).

NM_198253.3(TERT):c.2564C>T (p.Ala855Val)

Gene: TERT (telomerase reverse transcriptase; minus strand). Cytogenetic location: 5p15.33.
Variant type: single nucleotide variant.
Coding change: c.2564C>T on transcript NM_198253.3 (MANE Select); coding-DNA position 2564, C replaced by T.
Protein change: p.Ala855Val; replaces alanine 855 with valine.
Molecular consequence: missense variant. On other transcripts: non-coding transcript variant (2).
Genome position (GRCh38, 1-based): chr5:1,268,538, G>A on the plus strand (C>T on the coding strand, the complement: TERT is on the minus strand). VCF-style: chr5-1268538-G-A. GRCh37 (hg19) VCF-style: chr5-1268653-G-A.
Other names: c.2564C>T, p.Ala855Val (NM_001193376.3); short protein forms A855V.
Identifiers: ClinVar variation 539201 (VCV000539201.13), dbSNP rs775014633, ClinGen allele CA3184466.